The following is an entry in ClinVar:

ClinVar aggregate classification (germline): Likely benign. Review status: criteria provided, multiple submitters, no conflicts (2 of 4 stars). 3 submissions from 3 submitters: Likely benign (3). Last evaluated 2025-07-03.

Conditions:
Hereditary cancer-predisposing syndrome. Also called: Neoplastic Syndromes, Hereditary; Hereditary Cancer Syndrome; Tumor predisposition; Hereditary neoplastic syndrome. Identifiers: Orphanet 140162, MedGen C0027672, MeSH D009386, MONDO:0015356.
Familial adenomatous polyposis 1 (FAP1). Also called: FAMILIAL ADENOMATOUS POLYPOSIS 1, ATTENUATED; POLYPOSIS, ADENOMATOUS INTESTINAL. Identifiers: MedGen C2713442, MONDO:0021056, OMIM 175100. Disease mechanism: loss of function.

Submissions (3):

Labcorp Genetics (formerly Invitae), Labcorp
Classification: Likely benign for Familial adenomatous polyposis 1. Last evaluated: 2025-07-03. Review status: criteria provided, single submitter. Criteria: Invitae Variant Classification Sherloc (09022015). Collection method: clinical testing. Allele origin: germline.

Myriad Genetics, Inc.
Classification: Likely benign for Familial adenomatous polyposis 1. Last evaluated: 2024-02-29. Review status: criteria provided, single submitter. Criteria: Myriad Autosomal Dominant, Autosomal Recessive and X-Linked Classification Criteria (2023). Collection method: clinical testing. Allele origin: unknown.
Comment: This variant is considered likely benign. This variant is intronic and is not expected to impact mRNA splicing.

Color Diagnostics, LLC DBA Color Health
Classification: Likely benign for Hereditary cancer-predisposing syndrome. Last evaluated: 2018-11-26. Review status: criteria provided, single submitter. Criteria: ACMG Guidelines, 2015. Collection method: clinical testing. Allele origin: germline.

NM_000038.6(APC):c.934-7C>T

Gene: APC (APC regulator of Wnt signaling pathway; plus strand). Cytogenetic location: 5q22.2.
Variant type: single nucleotide variant.
Coding change: c.934-7C>T on transcript NM_000038.6 (MANE Select); 7 bases into the intron before coding-DNA position 934, C replaced by T.
Molecular consequence: intron variant.
Genome position (GRCh38, 1-based): chr5:112,818,959, C>T. VCF-style: chr5-112818959-C-T. GRCh37 (hg19) VCF-style: chr5-112154656-C-T.
Other names: c.934-7C>T (NM_001354895.2, NM_001354896.2, NM_001127510.3); c.964-7C>T (NM_001354897.2); c.964-310C>T (NM_001354902.2); c.85-7C>T (NM_001354906.2); c.859-7C>T (NM_001354898.2); c.859-310C>T (NM_001354904.2); c.880-7C>T (NM_001127511.3); c.934-310C>T (NM_001354903.2); and 3 more.
Identifiers: ClinVar variation 927827 (VCV000927827.11), dbSNP rs1762799987, ClinGen allele CA913188140.